The following is an entry in ClinVar:

NM_001035.3(RYR2):c.1244C>T (p.Thr415Ile)

Gene: RYR2 (ryanodine receptor 2; plus strand). Cytogenetic location: 1q43.
Variant type: single nucleotide variant.
Coding change: c.1244C>T on transcript NM_001035.3 (MANE Select); coding-DNA position 1244, C replaced by T.
Protein change: p.Thr415Ile; replaces threonine 415 with isoleucine.
Molecular consequence: missense variant.
Genome position (GRCh38, 1-based): chr1:237,445,474, C>T. VCF-style: chr1-237445474-C-T. GRCh37 (hg19) VCF-style: chr1-237608774-C-T.
Other names: short protein forms T415I.
Identifiers: ClinVar variation 1805497 (VCV001805497.1), dbSNP rs1288202574, ClinGen allele CA345377764.

ClinVar aggregate classification (germline): Likely pathogenic (1 of 4 stars; one submission).

Conditions:
Catecholaminergic polymorphic ventricular tachycardia 1. Also called: VENTRICULAR TACHYCARDIA, CATECHOLAMINERGIC POLYMORPHIC, 1, WITH OR WITHOUT ATRIAL DYSFUNCTION AND/OR DILATED CARDIOMYOPATHY; RYR2-Related Catecholaminergic Polymorphic Ventricular Tachycardia; VENTRICULAR TACHYCARDIA, STRESS-INDUCED POLYMORPHIC 1. Identifiers: Orphanet 3286, MedGen C1631597, MONDO:0011484, OMIM 604772.

Submission:

Victorian Clinical Genetics Services, Murdoch Childrens Research Institute
Classification: Likely pathogenic for Catecholaminergic polymorphic ventricular tachycardia 1. Last evaluated: 2021-05-06. Review status: criteria provided, single submitter. Criteria: ACMG Guidelines, 2015. Collection method: clinical testing. Allele origin: germline. Inheritance: Autosomal dominant inheritance. Affected: yes.
Comment: Based on the classification scheme VCGS_Germline_v1.3.4, this variant is classified as Likely pathogenic. Following criteria are met: 0103 - Dominant negative and gain of function are known mechanisms of disease in this gene and are associated with arrhythmogenic right ventricular dysplasia 2 (MIM#600996) and ventricular tachycardia, catecholaminergic polymorphic, 1 (CPVT) (MIM#604772) (PMID: 12459180, 27646203, 29477366). (I) 0107 - This gene is associated with autosomal dominant disease. (I) 0112 - The condition associated with this gene has incomplete penetrance (OMIM). (I) 0200 - Variant is predicted to result in a missense amino acid change from threonine to isoleucine. (I) 0251 - This variant is heterozygous. (I) 0301 - Variant is absent from gnomAD (both v2 and v3). (SP) 0309 - An alternative amino acid change at the same position has been observed in gnomAD (v2) (34 heterozygotes, 0 homozygotes). (I) 0502 - Missense variant with conflicting in silico predictions and uninformative conservation. (I) 0602 - Variant is located in a hotspot region or cluster of pathogenic variants. This variant is located in the N-terminal domain, one of the known hot spot regions (PMID: 19926015). (SP) 0703 - Other missense variants comparable to the one identified in this case have moderate previous evidence for pathogenicity. An alternative variant in the same codon, p.(Thr415Lys), has been reported as likely pathogenic in ClinVar. Another variant in the same codon, p.(Thr415Arg), has been reported as pathogenic in patients with catecholaminergic polymorphic ventricular tachycardia (CPVT) (Global Variome shared LOVD, PMID: 19926015, PMID: 27452199). (SP) 0808 - Previous reports of pathogenicity for this variant are conflicting. This variant has been previously reported in a family with CPVT, however the number of family members tested was not reported (PMID: 28789916). This variant has also been reported as a positive control sample for CPVT in a study comparing sequencing methods for inherited arrhythmia conditions, however no clinical details were provided for this sample (PMID: 22956155). Additionally, this variant has been classified as a VUS in a literature review (PMID: 32152366). (I) 0905 - No published segregation evidence has been identified for this variant. (I) 1007 - No published functional evidence has been identified for this variant. (I) 1208 - Inheritance information for this variant is not currently available in this individual. (I) Legend: (SP) - Supporting pathogenic, (I) - Information, (SB) - Supporting benign

Literature cited by the submitters: PubMed 12459180; PubMed 19926015; PubMed 22956155; PubMed 27452199; PubMed 27646203; PubMed 28789916; PubMed 29477366; PubMed 32152366.